The following is an entry in ClinVar:

ClinVar aggregate classification (germline): Uncertain significance (1 of 4 stars; one submission).

Allele frequency attached by ClinVar (database versions not stated): TOPMed below 0.00001; gnomAD 0.00001; ExAC 0.00003.
gnomAD v4.1: 17 of 1,614,046 alleles (0.0011%); highest among the groups gnomAD compares: East Asian, 0.0089%; no homozygotes.

Submission:

Labcorp Genetics (formerly Invitae), Labcorp
Classification: Uncertain significance. Last evaluated: 2022-08-21. Review status: criteria provided, single submitter. Criteria: Invitae Variant Classification Sherloc (09022015). Collection method: clinical testing. Allele origin: germline.
Comment: This sequence change replaces arginine, which is basic and polar, with histidine, which is basic and polar, at codon 1438 of the C2CD3 protein (p.Arg1438His). This variant is present in population databases (rs774090141, gnomAD 0.006%). This variant has not been reported in the literature in individuals affected with C2CD3-related conditions. Advanced modeling of protein sequence and biophysical properties (such as structural, functional, and spatial information, amino acid conservation, physicochemical variation, residue mobility, and thermodynamic stability) performed at Invitae indicates that this missense variant is expected to disrupt C2CD3 protein function. In summary, the available evidence is currently insufficient to determine the role of this variant in disease. Therefore, it has been classified as a Variant of Uncertain Significance.

NM_001286577.2(C2CD3):c.4313G>A (p.Arg1438His)

Gene: C2CD3 (C2 domain containing 3 centriole elongation regulator; minus strand). Cytogenetic location: 11q13.4.
Variant type: single nucleotide variant.
Coding change: c.4313G>A on transcript NM_001286577.2 (MANE Select); coding-DNA position 4313, G replaced by A.
Protein change: p.Arg1438His; replaces arginine 1438 with histidine.
Molecular consequence: missense variant.
Genome position (GRCh38, 1-based): chr11:74,078,405, C>T on the plus strand (G>A on the coding strand, the complement: C2CD3 is on the minus strand). VCF-style: chr11-74078405-C-T. GRCh37 (hg19) VCF-style: chr11-73789450-C-T.
Other names: c.4313G>A, p.Arg1438His (NM_015531.6); short protein forms R1438H.
Identifiers: ClinVar variation 2141123 (VCV002141123.1), dbSNP rs774090141, ClinGen allele CA6182163.